The following is an entry in ClinVar:

ClinVar aggregate classification (germline): Likely benign. Review status: criteria provided, multiple submitters, no conflicts (2 of 4 stars). 3 submissions from 3 submitters: Likely benign (3). Last evaluated 2025-06-12.

gnomAD v4.1: 155 of 1,613,366 alleles (0.0096%); highest among the groups gnomAD compares: South Asian, 0.15%; 1 homozygote.

Submissions (3):

Labcorp Genetics (formerly Invitae), Labcorp
Classification: Likely benign. Last evaluated: 2025-06-12. Review status: criteria provided, single submitter. Criteria: Invitae Variant Classification Sherloc (09022015). Collection method: clinical testing. Allele origin: germline.

Mayo Clinic Laboratories, Mayo Clinic
Classification: Likely benign. Last evaluated: 2025-01-31. Review status: criteria provided, single submitter. Criteria: ACMG Guidelines, 2015. Collection method: clinical testing. Allele origin: germline. Observed: 1 variant allele.
Comment: BP4, BP7

Blueprint Genetics
Classification: Likely benign. Last evaluated: 2024-07-04. Review status: criteria provided, single submitter. Criteria: ACMG Guidelines, 2015. Collection method: clinical testing. Allele origin: germline.

NM_012301.4(MAGI2):c.2226A>G (p.Pro742=)

Gene: MAGI2 (membrane associated guanylate kinase, WW and PDZ domain containing 2; minus strand). Cytogenetic location: 7q21.11.
Variant type: single nucleotide variant.
Coding change: c.2226A>G on transcript NM_012301.4 (MANE Select); coding-DNA position 2226, A replaced by G.
Protein change: p.Pro742=; no amino-acid change (proline 742 retained).
Molecular consequence: synonymous variant.
Genome position (GRCh38, 1-based): chr7:78,194,917, T>C on the plus strand (A>G on the coding strand, the complement: MAGI2 is on the minus strand). VCF-style: chr7-78194917-T-C. GRCh37 (hg19) VCF-style: chr7-77824234-T-C.
Other names: p.Pro742=; c.2226A>G, p.Pro742= (NM_001301128.2).
Identifiers: ClinVar variation 3709078 (VCV003709078.4).
Genomic context (GRCh38, chr7:78,194,917, plus strand): 5'-ATGTGGCTTTCACTTACGCCTACTTTCATAAATGGCCCTAGATTTCTCGTAGAGCTCATA[T>C]GGATCAGGCTTCCGTGGGTCAAAGGCCTCTGTTGAGTCAGGAAAGGAGCTCCTGTGAAGG-3'
Protein context (NP_036433.2, residues 732-752): TEAFDPRKPD[Pro742=]YELYEKSRAI